The following is an entry in ClinVar:

NM_000219.6(KCNE1):c.190A>T (p.Ser64Cys)

Gene: KCNE1 (potassium voltage-gated channel subfamily E regulatory subunit 1; minus strand). Cytogenetic location: 21q22.12.
Variant type: single nucleotide variant.
Coding change: c.190A>T on transcript NM_000219.6 (MANE Select); coding-DNA position 190, A replaced by T.
Protein change: p.Ser64Cys; replaces serine 64 with cysteine.
Molecular consequence: missense variant.
Genome position (GRCh38, 1-based): chr21:34,449,445, T>A on the plus strand (A>T on the coding strand, the complement: KCNE1 is on the minus strand). VCF-style: chr21-34449445-T-A. GRCh37 (hg19) VCF-style: chr21-35821743-T-A.
Other names: c.190A>T, p.Ser64Cys (NM_001127668.4, NM_001127669.4, NM_001127670.4 and 4 more transcripts); short protein forms S64C.
Identifiers: ClinVar variation 3374287 (VCV003374287.2).
Genomic context (GRCh38, chr21:34,449,445, plus strand): 5'-ACTCGATGTAGACGTTGAATGGGTCGTTCGAGTGCTCCAGCTTCTTGGAGCGGATGTAGC[T>A]CAGCATGATGCCCAGGGTGAAGAAGCCGAAGAATCCCAGTACCATGAGGACGTAGAGGGC-3'
Protein context (NP_000210.2, residues 54-74): FGFFTLGIML[Ser64Cys]YIRSKKLEHS

Conditions:
Long QT syndrome 5 (LQT5). Identifiers: Orphanet 101016, Orphanet 768, MedGen C1867904, MONDO:0013372, OMIM 613695.

Submission:

Roden Lab, Vanderbilt University Medical Center
No classification provided (evidence only). Condition: Long QT syndrome 5. Review status: no classification provided. Collection method: in vitro. Allele origin: not applicable. Functional consequence: Effect on ion channel function.
ClinVar note: "not provided" was previously submitted as the classification for the variant. However, the classification appeared to be based only on an observation of functional data so it was converted to no classification on 2025-07-30.